The following is an entry in ClinVar:

NM_021098.3(CACNA1H):c.546-2A>G

Gene: CACNA1H (calcium voltage-gated channel subunit alpha1 H; plus strand). Cytogenetic location: 16p13.3.
Variant type: single nucleotide variant.
Coding change: c.546-2A>G on transcript NM_021098.3 (MANE Select); the canonical splice acceptor site of the intron before coding-DNA position 546, A replaced by G.
Molecular consequence: splice acceptor variant.
Genome position (GRCh38, 1-based): chr16:1,195,924, A>G. VCF-style: chr16-1195924-A-G. GRCh37 (hg19) VCF-style: chr16-1245924-A-G.
Other names: c.546-2A>G (NM_001005407.2).
Identifiers: ClinVar variation 2927938 (VCV002927938.3), dbSNP rs2141201889, ClinGen allele CA394153225.
Genomic context (GRCh38, chr16:1,195,924, plus strand): 5'-CAGCCCCACCCTGGACCACCTGGGCTCCTTGTTGAGCTGCTCCCCCTCGGCCCCGCCCCC[A>G]GCATGATGGAGTACTCGTTGGACGGACACAACGTGAGCCTCTCGGCTATCAGGACCGTGC-3'

ClinVar aggregate classification (germline): Uncertain significance (1 of 4 stars; one submission).

Conditions:
Idiopathic generalized epilepsy. Also called: Generalised epilepsy; EIG. Identifiers: MedGen C0270850, MONDO:0005579, OMIM 600669.
Hyperaldosteronism, familial, type IV (HALD4). Also called: FH IV; ALDOSTERONISM, PRIMARY, AND HYPERTENSION. Identifiers: Orphanet 642671, MedGen C4310756, MONDO:0014875, OMIM 617027.

Allele frequency attached by ClinVar (database versions not stated): gnomAD exomes below 0.00001.
gnomAD v4.1: 1 of 1,611,002 alleles (0.000062%); highest among the groups gnomAD compares: Non-Finnish European, 0.000085%; no homozygotes.

Submission:

Labcorp Genetics (formerly Invitae), Labcorp
Classification: Uncertain significance for Idiopathic generalized epilepsy; Hyperaldosteronism, familial, type IV. Last evaluated: 2023-09-14. Review status: criteria provided, single submitter. Criteria: Invitae Variant Classification Sherloc (09022015). Collection method: clinical testing. Allele origin: germline.
Comment: In summary, the available evidence is currently insufficient to determine the role of this variant in disease. Therefore, it has been classified as a Variant of Uncertain Significance. Algorithms developed to predict the effect of sequence changes on RNA splicing suggest that this variant may disrupt the consensus splice site. This variant has not been reported in the literature in individuals affected with CACNA1H-related conditions. This variant is not present in population databases (gnomAD no frequency). This sequence change affects an acceptor splice site in intron 4 of the CACNA1H gene. It is expected to disrupt RNA splicing. Variants that disrupt the donor or acceptor splice site typically lead to a loss of protein function (PMID: 16199547), however the current clinical and genetic evidence is not sufficient to establish whether loss-of-function variants in CACNA1H cause disease.

Literature cited by the submitters: PubMed 16199547.